The following is an entry in ClinVar:

NM_001256071.3(RNF213):c.681T>C (p.Ala227=)

Gene: RNF213 (ring finger protein 213; plus strand). Cytogenetic location: 17q25.3.
Variant type: single nucleotide variant.
Coding change: c.681T>C on transcript NM_001256071.3 (MANE Select); coding-DNA position 681, T replaced by C.
Protein change: p.Ala227=; no amino-acid change (alanine 227 retained).
Molecular consequence: synonymous variant.
Genome position (GRCh38, 1-based): chr17:80,288,234, T>C. VCF-style: chr17-80288234-T-C. GRCh37 (hg19) VCF-style: chr17-78262033-T-C.
Other names: c.828T>C, p.Ala276= (NM_001410195.1, NM_020914.5); c.681T>C, p.Ala227= (NM_020954.4); c.681T>C (NM_001256071.2).
Identifiers: ClinVar variation 2648404 (VCV002648404.25), dbSNP rs200437340, ClinGen allele CA8819319.

ClinVar aggregate classification (germline): Likely benign. Review status: criteria provided, multiple submitters, no conflicts (2 of 4 stars). 2 submissions from 2 submitters: Likely benign (2). Last evaluated 2026-09-14.

Conditions:
RNF213-related disorder. Also called: RNF213-related condition.

Allele frequency attached by ClinVar (database versions not stated): ESP Exome Variant Server 0.00023; gnomAD exomes 0.00012; TOPMed 0.00017; ExAC 0.00020; gnomAD 0.00020.
gnomAD v4.1: 219 of 1,613,146 alleles (0.014%); highest among the groups gnomAD compares: Admixed American, 0.0083%; no homozygotes.

Submissions (2):

PreventionGenetics, part of Exact Sciences
Classification: Likely benign for RNF213-related condition. Last evaluated: 2026-09-14. Review status: criteria provided, single submitter. Criteria: ACMG Guidelines, 2015. Collection method: clinical testing. Allele origin: germline.
Comment: This variant is classified as likely benign based on ACMG/AMP sequence variant interpretation guidelines (Richards et al. 2015 PMID: 25741868, with internal and published modifications).

CeGaT Center for Human Genetics Tuebingen
Classification: Likely benign. Last evaluated: 2022-09-01. Review status: criteria provided, single submitter. Criteria: CeGaT Center For Human Genetics Tuebingen Variant Classification Criteria Version 2. Collection method: clinical testing. Allele origin: germline. Affected: yes. Observed: 1 variant allele.
Comment: RNF213: BP4, BP7